The following is an entry in ClinVar:

ClinVar aggregate classification (germline): Likely benign. Review status: criteria provided, multiple submitters, no conflicts (2 of 4 stars). 2 submissions from 2 submitters: Likely benign (2). Last evaluated 2023-10-01.

Conditions:
Spastic paraplegia. Identifiers: MedGen C0037772, HP:0001258.

Allele frequency attached by ClinVar (database versions not stated): TOPMed 0.00001; gnomAD exomes 0.00006.
gnomAD v4.1: 68 of 1,201,084 alleles (0.0057%); highest among the groups gnomAD compares: Non-Finnish European, 0.0074%; no homozygotes.

Submissions (2):

CeGaT Center for Human Genetics Tuebingen
Classification: Likely benign. Last evaluated: 2023-10-01. Review status: criteria provided, single submitter. Criteria: CeGaT Center For Human Genetics Tuebingen Variant Classification Criteria Version 2. Collection method: clinical testing. Allele origin: germline. Affected: yes. Observed: 1 variant allele.
Comment: KDM5C: PM2:Supporting, BP4, BP7

Labcorp Genetics (formerly Invitae), Labcorp
Classification: Likely benign for Spastic paraplegia. Last evaluated: 2022-07-26. Review status: criteria provided, single submitter. Criteria: Invitae Variant Classification Sherloc (09022015). Collection method: clinical testing. Allele origin: germline.

NM_004187.5(KDM5C):c.2745G>A (p.Val915=)

Gene: KDM5C (lysine demethylase 5C; minus strand). Cytogenetic location: Xp11.22.
Variant type: single nucleotide variant.
Coding change: c.2745G>A on transcript NM_004187.5 (MANE Select); coding-DNA position 2745, G replaced by A.
Protein change: p.Val915=; no amino-acid change (valine 915 retained).
Molecular consequence: synonymous variant. On other transcripts: non-coding transcript variant (3).
Genome position (GRCh38, 1-based): chrX:53,196,922, C>T on the plus strand (G>A on the coding strand, the complement: KDM5C is on the minus strand). VCF-style: chrX-53196922-C-T. GRCh37 (hg19) VCF-style: chrX-53226104-C-T.
Other names: c.2544G>A, p.Val848= (NM_001146702.2); c.2742G>A, p.Val914= (NM_001282622.3, NM_001353979.2, NM_001353982.2); c.2745G>A, p.Val915= (NM_001353978.3, NM_001353981.2, NM_001353984.2).
Identifiers: ClinVar variation 758001 (VCV000758001.33), dbSNP rs1440517448, ClinGen allele CA516672408.